The following is an entry in ClinVar:

NM_000540.3(RYR1):c.528G>T (p.Glu176Asp)

Gene: RYR1 (ryanodine receptor 1; plus strand). Cytogenetic location: 19q13.2.
Variant type: single nucleotide variant.
Coding change: c.528G>T on transcript NM_000540.3 (MANE Select); coding-DNA position 528, G replaced by T.
Protein change: p.Glu176Asp; replaces glutamic acid 176 with aspartic acid.
Molecular consequence: missense variant.
Genome position (GRCh38, 1-based): chr19:38,444,252, G>T. VCF-style: chr19-38444252-G-T. GRCh37 (hg19) VCF-style: chr19-38934892-G-T.
Other names: c.528G>T (NM_000540.2); c.528G>T, p.Glu176Asp (NM_001042723.2); short protein forms E176D.
Identifiers: ClinVar variation 590556 (VCV000590556.20), dbSNP rs1568436081, ClinGen allele CA405677091.

ClinVar aggregate classification (germline): Uncertain significance. Review status: reviewed by expert panel (3 of 4 stars). 7 submissions from 7 submitters: Uncertain significance (1). 6 of the submissions do not count toward it. Last evaluated 2025-08-01.

Conditions:
Malignant hyperthermia of anesthesia. Also called: Anesthesic-triggered malignant hyperthermia. Identifiers: Orphanet 423, MedGen C0024591, MONDO:0018493, HP:0034733.
RYR1-related disorder. Also called: RYR1-related condition; RYR1-related disorders. Identifiers: MedGen CN239331.

Submissions (7):

ClinGen Malignant Hyperthermia Susceptibility Variant Curation Expert Panel, ClinGen
Classification: Uncertain significance for Malignant hyperthermia of anesthesia. Last evaluated: 2025-08-01. Review status: reviewed by expert panel. Criteria: ClinGen MHS ACMG Specifications V2. Collection method: curation. Allele origin: germline. Inheritance: Autosomal dominant inheritance.
Comment: This pathogenicity assessment is relevant only for malignant hyperthermia susceptibility (MHS) inherited in an autosomal dominant pattern. Variants in RYR1 can also cause other myopathies inherited in an autosomal dominant pattern or in an autosomal recessive pattern. Some of these disorders may predispose individuals to malignant hyperthermia. RYR1 variants may also contribute to a malignant hyperthermia reaction in combination with other genetic and non-genetic factors and the clinician needs to consider such factors in making management decisions. This sequence variant predicts a substitution of glutamic acid with aspartic acid at codon 176 of the RYR1 protein, p.(Glu176Asp). This variant was not present in a large population database (gnomAD) at the time this variant was interpreted. This variant has been reported in five individuals with a personal or family history of an MH episode, two of these individuals had a positive in vitro contracture test (IVCT) or caffeine halothane contracture test (CHCT) result (if the proband was unavailable for testing, a positive diagnostic test result in a mutation-positive relative was counted), PS4_Moderate (Kaulins, 2008; Prevention Genetics; MH Investigation Unit, UHN, Toronto). An ex vivo assay from a single patient showed an increased sensitivity to RYR1 agonists but this does not meet the criteria for PS3 which requires samples from multiple unrelated individuals to be tested (Kaulins, 2008). This variant resides in a region of RYR1 considered to be a hotspot for pathogenic variants that contribute to MHS, PM1 (PMID: 21118704). This variant segregates with MHS in two individuals, PP1 not met (Kaulins, 2008). A REVEL score of 0.504 supports neither a pathogenic nor a benign status for this variant. This variant has been classified as a Variant of Unknown Significance. Criteria implemented: PS4_Moderate, PM1.

Women's Health and Genetics/Laboratory Corporation of America, LabCorp
Classification: Uncertain significance. Last evaluated: 2024-11-27. Review status: criteria provided, single submitter. Criteria: LabCorp Variant Classification Summary - May 2015. Collection method: clinical testing. Allele origin: germline. Not counted in ClinVar's aggregate classification.
Comment: Variant summary: RYR1 c.528G>T (p.Glu176Asp) results in a conservative amino acid change located in the Inositol 1,4,5-trisphosphate/ryanodine receptor domain (IPR014821) of the encoded protein sequence. Three of four in-silico tools predict a damaging effect of the variant on protein function. The variant was absent in 250960 control chromosomes. The available data on variant occurrences in the general population are insufficient to allow any conclusion about variant significance. c.528G>T has been reported in the literature in an individual affected with rhabdomyolysis (Witting_ 2018) and in a family with a personal or family history of malignant hyperthermia (MH) susceptibility (Kaulins_2008). Two of these family members had a positive in vitro contracture test (IVCT) and an ex vivo assay from a single patient showed elevated calcium concentrations compared to MH carriers (Kaulins_2008). However, currently available data is insufficient to conclude the variant significance. The following publications have been ascertained in the context of this evaluation (PMID: 32337335, 29635721, Kaulins_No PMID). ClinVar contains an entry for this variant (Variation ID: 590556). Based on the evidence outlined above, the variant was classified as uncertain significance.

ARUP Laboratories, Molecular Genetics and Genomics, ARUP Laboratories
Classification: Uncertain significance. Last evaluated: 2024-11-26. Review status: criteria provided, single submitter. Criteria: ARUP Molecular Germline Variant Investigation Process 2024. Collection method: clinical testing. Allele origin: germline. Not counted in ClinVar's aggregate classification.
Comment: The RYR1 c.528G>T; p.Glu176Asp variant (rs1568436081, ClinVar Variation ID: 590556) is reported in the literature in two individuals tested for clinical suspicion of myopathy/myalgia (Lyu 2024, Witting 2018). The patient reported in Witting et al (2018) also tested positive for malignant hyperthermia via an unspecified in vitro assay. This variant is absent from the Genome Aggregation Database (v2.1.1), indicating it is not a common polymorphism. This variant is located in a known hot-spot region in RYR1, but computational analyses are uncertain whether this variant is neutral or deleterious (REVEL: 0.504). Due to limited information, the clinical significance of this variant is uncertain at this time. References: Lyu Z et al. Structural changes and contractility in muscle assessed by magnetic resonance imaging in individuals with ryanodine receptor 1-related rhabdomyolysis or myalgia. Muscle Nerve. 2024 Oct;70(4):753-760. PMID: 39045890. Witting N et al. Phenotype and genotype of muscle ryanodine receptor rhabdomyolysis-myalgia syndrome. Acta Neurol Scand. 2018 May;137(5):452-461. PMID: 29635721.

Blueprint Genetics
Classification: Uncertain significance. Last evaluated: 2024-07-10. Review status: criteria provided, single submitter. Criteria: ACMG Guidelines, 2015. Collection method: clinical testing. Allele origin: germline. Not counted in ClinVar's aggregate classification.

Labcorp Genetics (formerly Invitae), Labcorp
Classification: Uncertain significance for RYR1-related disorder. Last evaluated: 2024-06-10. Review status: criteria provided, single submitter. Criteria: Invitae Variant Classification Sherloc (09022015). Collection method: clinical testing. Allele origin: germline. Not counted in ClinVar's aggregate classification.
Comment: This sequence change replaces glutamic acid, which is acidic and polar, with aspartic acid, which is acidic and polar, at codon 176 of the RYR1 protein (p.Glu176Asp). This variant is not present in population databases (gnomAD no frequency). This missense change has been observed in individuals with malignant hyperthermia susceptibility and/or episodes of elevated CK levels with muscle weakness or rhabdomyolysis (PMID: 29635721; Invitae). ClinVar contains an entry for this variant (Variation ID: 590556). Advanced modeling of protein sequence and biophysical properties (such as structural, functional, and spatial information, amino acid conservation, physicochemical variation, residue mobility, and thermodynamic stability) has been performed at Invitae for this missense variant, however the output from this modeling did not meet the statistical confidence thresholds required to predict the impact of this variant on RYR1 protein function. This variant disrupts the p.Glu176 amino acid residue in RYR1. Other variant(s) that disrupt this residue have been observed in individuals with RYR1-related conditions (PMID: 29635721; Invitae), which suggests that this may be a clinically significant amino acid residue. In summary, the available evidence is currently insufficient to determine the role of this variant in disease. Therefore, it has been classified as a Variant of Uncertain Significance.

GeneDx
Classification: Likely pathogenic. Last evaluated: 2022-07-19. Review status: criteria provided, single submitter. Criteria: GeneDx Variant Classification Process June 2021. Collection method: clinical testing. Allele origin: germline. Affected: yes. Not counted in ClinVar's aggregate classification.
Comment: Identified in a family with a positive history of malignant hyperthermia (Kaulins et al., 2008); Individuals who harbored this variant had positive in vitro muscle contracture testing for malignant hyperthermia; myofibers from some of these individuals were also noted to have elevated calcium concentrations compared to controls (Witting et al., 2018; Kaulins et al., 2008); In silico analysis supports that this missense variant does not alter protein structure/function; Not observed at significant frequency in large population cohorts (gnomAD); This variant is associated with the following publications: (PMID: 29635721)

PreventionGenetics, part of Exact Sciences
Classification: Pathogenic. Last evaluated: 2018-07-05. Review status: criteria provided, single submitter. Criteria: ACMG Guidelines, 2015. Collection method: clinical testing. Allele origin: germline. Not counted in ClinVar's aggregate classification.

Literature cited by the submitters: PubMed 32337335 (cited by Women's Health and Genetics/Laboratory Corporation of America, LabCorp); PubMed 29635721 (cited by Women's Health and Genetics/Laboratory Corporation of America, LabCorp and Labcorp Genetics (formerly Invitae), Labcorp).